The following is an entry in ClinVar:

NM_000548.5(TSC2):c.2326T>A (p.Tyr776Asn)

Gene: TSC2 (TSC complex subunit 2; plus strand). Cytogenetic location: 16p13.3.
Variant type: single nucleotide variant.
Coding change: c.2326T>A on transcript NM_000548.5 (MANE Select); coding-DNA position 2326, T replaced by A.
Protein change: p.Tyr776Asn; replaces tyrosine 776 with asparagine.
Molecular consequence: missense variant.
Genome position (GRCh38, 1-based): chr16:2,072,954, T>A. VCF-style: chr16-2072954-T-A. GRCh37 (hg19) VCF-style: chr16-2122955-T-A.
Other names: c.2326T>A, p.Tyr776Asn (NM_001370405.1, NM_001406663.1, NM_001406664.1 and 6 more transcripts); c.2215T>A, p.Tyr739Asn (NM_001318827.2, NM_001406678.1, NM_001406670.1); c.2179T>A, p.Tyr727Asn (NM_001318829.2, NM_001406676.1, NM_001406679.1 and 1 more transcripts); c.1726T>A, p.Tyr576Asn (NM_001318831.2, NM_001406680.1, NM_001406682.1 and 6 more transcripts); c.2359T>A, p.Tyr787Asn (NM_001318832.2); c.2269T>A, p.Tyr757Asn (NM_001406677.1); c.1864T>A, p.Tyr622Asn (NM_001406681.1); c.982T>A, p.Tyr328Asn (NM_001406695.1, NM_001406696.1, NM_001406697.1 and 6 more transcripts); and 3 more; short protein forms Y787N, Y576N, Y622N, Y772N, Y776N, Y739N, Y757N, Y806N.
Identifiers: ClinVar variation 2115081 (VCV002115081.4), dbSNP rs2543768462, ClinGen allele CA394276652.

ClinVar aggregate classification (germline): Uncertain significance (1 of 4 stars; one submission).

Conditions:
Tuberous sclerosis 2 (TSC2). Identifiers: Orphanet 805, MedGen C1860707, MONDO:0013199, OMIM 613254.

Submission:

Labcorp Genetics (formerly Invitae), Labcorp
Classification: Uncertain significance for Tuberous sclerosis 2. Last evaluated: 2022-03-20. Review status: criteria provided, single submitter. Criteria: Invitae Variant Classification Sherloc (09022015). Collection method: clinical testing. Allele origin: germline.
Comment: This sequence change replaces tyrosine, which is neutral and polar, with asparagine, which is neutral and polar, at codon 776 of the TSC2 protein (p.Tyr776Asn). This variant is not present in population databases (gnomAD no frequency). In summary, the available evidence is currently insufficient to determine the role of this variant in disease. Therefore, it has been classified as a Variant of Uncertain Significance. Advanced modeling of protein sequence and biophysical properties (such as structural, functional, and spatial information, amino acid conservation, physicochemical variation, residue mobility, and thermodynamic stability) performed at Invitae indicates that this missense variant is expected to disrupt TSC2 protein function. This variant has not been reported in the literature in individuals affected with TSC2-related conditions.